The following is an entry in ClinVar:

NM_000245.4(MET):c.1740G>T (p.Arg580Ser)

Gene: MET (MET proto-oncogene, receptor tyrosine kinase; plus strand). Cytogenetic location: 7q31.2.
Variant type: single nucleotide variant.
Coding change: c.1740G>T on transcript NM_000245.4 (MANE Select); coding-DNA position 1740, G replaced by T.
Protein change: p.Arg580Ser; replaces arginine 580 with serine.
Molecular consequence: missense variant.
Genome position (GRCh38, 1-based): chr7:116,755,393, G>T. VCF-style: chr7-116755393-G-T. GRCh37 (hg19) VCF-style: chr7-116395447-G-T.
Other names: c.1740G>T, p.Arg580Ser (NM_001127500.3, NM_001324401.3); c.450G>T, p.Arg150Ser (NM_001324402.2); c.1740G>T (NM_001127500.1); short protein forms R150S, R580S.
Identifiers: ClinVar variation 1360881 (VCV001360881.10), dbSNP rs1182994959, ClinGen allele CA368977682.

ClinVar aggregate classification (germline): Conflicting classifications of pathogenicity. Review status: criteria provided, conflicting classifications (1 of 4 stars). 2 submissions from 2 submitters: Uncertain significance (1); Likely benign (1). Last evaluated 2026-07-30.

Conditions:
Renal cell carcinoma. Identifiers: Orphanet 217071, MedGen C0007134, MeSH D002292, MONDO:0005086, HP:0005584.
Hereditary cancer-predisposing syndrome. Also called: Hereditary Cancer Syndrome; Neoplastic Syndromes, Hereditary; Hereditary neoplastic syndrome; Tumor predisposition. Identifiers: Orphanet 140162, MedGen C0027672, MeSH D009386, MONDO:0015356.

Submissions (2):

Ambry Genetics
Classification: Likely benign for Hereditary cancer-predisposing syndrome. Last evaluated: 2026-07-30. Review status: criteria provided, single submitter. Criteria: Ambry Variant Classification Scheme 2023. Collection method: clinical testing. Allele origin: germline.

Labcorp Genetics (formerly Invitae), Labcorp
Classification: Uncertain significance for Renal cell carcinoma. Last evaluated: 2021-04-16. Review status: criteria provided, single submitter. Criteria: Invitae Variant Classification Sherloc (09022015). Collection method: clinical testing. Allele origin: germline.
Comment: In summary, the available evidence is currently insufficient to determine the role of this variant in disease. Therefore, it has been classified as a Variant of Uncertain Significance. Algorithms developed to predict the effect of missense changes on protein structure and function (SIFT, PolyPhen-2, Align-GVGD) all suggest that this variant is likely to be tolerated, but these predictions have not been confirmed by published functional studies and their clinical significance is uncertain. This variant has not been reported in the literature in individuals with MET-related conditions. This variant is not present in population databases (ExAC no frequency). This sequence change replaces arginine with serine at codon 580 of the MET protein (p.Arg580Ser). The arginine residue is weakly conserved and there is a moderate physicochemical difference between arginine and serine.